The following is an entry in ClinVar:

NM_013275.6(ANKRD11):c.3547G>A (p.Asp1183Asn)

Gene: ANKRD11 (ankyrin repeat domain containing 11; minus strand). Cytogenetic location: 16q24.3.
Variant type: single nucleotide variant.
Coding change: c.3547G>A on transcript NM_013275.6 (MANE Select); coding-DNA position 3547, G replaced by A.
Protein change: p.Asp1183Asn; replaces aspartic acid 1183 with asparagine.
Molecular consequence: missense variant.
Genome position (GRCh38, 1-based): chr16:89,282,995, C>T on the plus strand (G>A on the coding strand, the complement: ANKRD11 is on the minus strand). VCF-style: chr16-89282995-C-T. GRCh37 (hg19) VCF-style: chr16-89349403-C-T.
Other names: c.3547G>A, p.Asp1183Asn (NM_001256182.2, NM_001256183.2); short protein forms D1183N.
Identifiers: ClinVar variation 1304963 (VCV001304963.2), dbSNP rs2034390311, ClinGen allele CA397159555.

ClinVar aggregate classification (germline): Uncertain significance (1 of 4 stars; one submission).

Allele frequency attached by ClinVar (database versions not stated): gnomAD exomes below 0.00001; TOPMed below 0.00001.
gnomAD v4.1: 1 of 1,613,766 alleles (0.000062%); highest among the groups gnomAD compares: Non-Finnish European, 0.000085%; no homozygotes.

Submission:

GeneDx
Classification: Uncertain significance. Last evaluated: 2021-09-16. Review status: criteria provided, single submitter. Criteria: GeneDx Variant Classification Process June 2021. Collection method: clinical testing. Allele origin: germline. Affected: yes.
Comment: Not observed at significant frequency in large population cohorts (Lek et al., 2016); In silico analysis supports that this missense variant does not alter protein structure/function; Has not been previously published as pathogenic or benign to our knowledge